The following is an entry in ClinVar:

ClinVar aggregate classification (germline): Uncertain significance (1 of 4 stars; one submission).

Conditions:
Periodic fever-infantile enterocolitis-autoinflammatory syndrome. Also called: Autoinflammation with infantile enterocolitis. Identifiers: Orphanet 436166, MedGen C4015067, MONDO:0014472, OMIM 616050.
Familial cold autoinflammatory syndrome 4 (FCAS4). Identifiers: Orphanet 47045, Orphanet 576349, MedGen C4015276, MONDO:0014498, OMIM 616115.

Allele frequency attached by ClinVar (database versions not stated): TOPMed below 0.00001.

Submission:

Labcorp Genetics (formerly Invitae), Labcorp
Classification: Uncertain significance for Periodic fever-infantile enterocolitis-autoinflammatory syndrome; Familial cold autoinflammatory syndrome 4. Last evaluated: 2018-06-23. Review status: criteria provided, single submitter. Criteria: Invitae Variant Classification Sherloc (09022015). Collection method: clinical testing. Allele origin: germline.
Comment: Algorithms developed to predict the effect of missense changes on protein structure and function (SIFT, PolyPhen-2, Align-GVGD) all suggest that this variant is likely to be disruptive, but these predictions have not been confirmed by published functional studies and their clinical significance is uncertain. This sequence change replaces cysteine with serine at codon 165 of the NLRC4 protein (p.Cys165Ser). The cysteine residue is highly conserved and there is a moderate physicochemical difference between cysteine and serine. This variant has not been reported in the literature in individuals with NLRC4-related disease. This variant is not present in population databases (ExAC no frequency). In summary, the available evidence is currently insufficient to determine the role of this variant in disease. Therefore, it has been classified as a Variant of Uncertain Significance.

NM_001199138.2(NLRC4):c.494G>C (p.Cys165Ser)

Gene: NLRC4 (NLR family CARD domain containing 4; minus strand). Cytogenetic location: 2p22.3.
Variant type: single nucleotide variant.
Coding change: c.494G>C on transcript NM_001199138.2 (MANE Select); coding-DNA position 494, G replaced by C.
Protein change: p.Cys165Ser; replaces cysteine 165 with serine.
Molecular consequence: missense variant. On other transcripts: intron variant (1).
Genome position (GRCh38, 1-based): chr2:32,251,370, C>G on the plus strand (G>C on the coding strand, the complement: NLRC4 is on the minus strand). VCF-style: chr2-32251370-C-G. GRCh37 (hg19) VCF-style: chr2-32476439-C-G.
Other names: c.494G>C, p.Cys165Ser (NM_001199139.2, NM_021209.5); c.262+1049G>C (NM_001302504.1); short protein forms C165S.
Identifiers: ClinVar variation 573166 (VCV000573166.8), dbSNP rs1558458397, ClinGen allele CA346515858.